The following is an entry in ClinVar:

NC_000009.12:g.(?_136364105)_(136372098_?)del

Genes: CARD9 (caspase recruitment domain family member 9; minus strand), LOC130003002 (ATAC-STARR-seq lymphoblastoid silent region 20510; plus strand). Cytogenetic location: 9q34.3.
Variant type: Deletion.
Identifiers: ClinVar variation 535824 (VCV000535824.1).

ClinVar aggregate classification (germline): Pathogenic (1 of 4 stars; one submission).

Conditions:
Predisposition to invasive fungal disease due to CARD9 deficiency (IMD103). Also called: CARD9 IMMUNODEFICIENCY; IMMUNODEFICIENCY 103, SUSCEPTIBILITY TO FUNGAL INFECTIONS; Candidiasis, familial, 2, autosomal recessive. Identifiers: Orphanet 457088, MedGen C1859353, MONDO:0008905, OMIM 212050.

Submission:

Labcorp Genetics (formerly Invitae), Labcorp
Classification: Pathogenic for Candidiasis, familial, 2. Last evaluated: 2018-01-17. Review status: criteria provided, single submitter. Criteria: Invitae Variant Classification Sherloc (09022015). Collection method: clinical testing. Allele origin: germline.
Comment: A gross deletion of the genomic region encompassing the full coding sequence of the CARD9 gene has been identified. The boundaries of this event are unknown as the deletion extends beyond the assayed region for this gene and therefore may encompass additional genes. This variant has not been reported in the literature in individuals with CARD9-related disease. Loss-of-function variants in CARD9 are known to be pathogenic (PMID: 19864672, 24131138, 24231284). For these reasons, this variant has been classified as Pathogenic.